The following is an entry in ClinVar:

ClinVar aggregate classification (germline): Uncertain significance. Review status: criteria provided, multiple submitters, no conflicts (2 of 4 stars). 2 submissions from 2 submitters: Uncertain significance (2). Last evaluated 2025-12-02.

Conditions:
Spastic paraplegia. Identifiers: MedGen C0037772, HP:0001258.
Inborn genetic diseases. Identifiers: MedGen C0950123, MeSH D030342.

Allele frequency attached by ClinVar (database versions not stated): gnomAD 0.00003; ESP Exome Variant Server 0.00008; TOPMed 0.00005.
gnomAD v4.1: 10 of 1,603,718 alleles (0.00062%); highest among the groups gnomAD compares: African/African-American, 0.012%; no homozygotes.

Submissions (2):

Ambry Genetics
Classification: Uncertain significance for Inborn genetic diseases. Last evaluated: 2025-12-02. Review status: criteria provided, single submitter. Criteria: Ambry Variant Classification Scheme 2023. Collection method: clinical testing. Allele origin: germline.

Labcorp Genetics (formerly Invitae), Labcorp
Classification: Uncertain significance for Spastic paraplegia. Last evaluated: 2022-06-14. Review status: criteria provided, single submitter. Criteria: Invitae Variant Classification Sherloc (09022015). Collection method: clinical testing. Allele origin: germline.
Comment: In summary, the available evidence is currently insufficient to determine the role of this variant in disease. Therefore, it has been classified as a Variant of Uncertain Significance. Algorithms developed to predict the effect of missense changes on protein structure and function are either unavailable or do not agree on the potential impact of this missense change (SIFT: "Tolerated"; PolyPhen-2: "Possibly Damaging"; Align-GVGD: "Class C0"). This variant has not been reported in the literature in individuals affected with SLC33A1-related conditions. This variant is present in population databases (rs371208781, gnomAD 0.02%). This sequence change replaces threonine, which is neutral and polar, with isoleucine, which is neutral and non-polar, at codon 319 of the SLC33A1 protein (p.Thr319Ile).

NM_004733.4(SLC33A1):c.956C>T (p.Thr319Ile)

Gene: SLC33A1 (solute carrier family 33 member 1; minus strand). Cytogenetic location: 3q25.31.
Variant type: single nucleotide variant.
Coding change: c.956C>T on transcript NM_004733.4 (MANE Select); coding-DNA position 956, C replaced by T.
Protein change: p.Thr319Ile; replaces threonine 319 with isoleucine.
Molecular consequence: missense variant. On other transcripts: intron variant (1).
Genome position (GRCh38, 1-based): chr3:155,842,439, G>A on the plus strand (C>T on the coding strand, the complement: SLC33A1 is on the minus strand). VCF-style: chr3-155842439-G-A. GRCh37 (hg19) VCF-style: chr3-155560228-G-A.
Other names: c.956C>T, p.Thr319Ile (NM_001190992.2); c.776-8398C>T (NM_001363883.1); c.956C>T (NM_004733.3); short protein forms T319I.
Identifiers: ClinVar variation 2166860 (VCV002166860.3), dbSNP rs371208781, ClinGen allele CA85824758.